The following is an entry in ClinVar:

ClinVar aggregate classification (germline): Benign/Likely benign. Review status: criteria provided, multiple submitters, no conflicts (2 of 4 stars). 3 submissions from 3 submitters: Benign (1); Likely benign (2). Last evaluated 2026-04-01.

Conditions:
Inborn genetic diseases. Identifiers: MedGen C0950123, MeSH D030342.

Allele frequency attached by ClinVar (database versions not stated): gnomAD exomes 0.00003 and 0.00010; ExAC 0.00007; gnomAD 0.00011 and 0.00013; TOPMed 0.00013; 1000 Genomes Project 30x 0.00062; 1000 Genomes Project 0.00080.
gnomAD v4.1: 68 of 1,612,316 alleles (0.0042%); highest among the groups gnomAD compares: Admixed American, 0.097%; 1 homozygote.

Submissions (3):

CeGaT Center for Human Genetics Tuebingen
Classification: Likely benign. Last evaluated: 2026-04-01. Review status: criteria provided, single submitter. Criteria: CeGaT Center For Human Genetics Tuebingen Variant Classification Criteria Version 2. Collection method: clinical testing. Allele origin: germline. Affected: yes. Observed: 1 variant allele.
Comment: ASXL2: BP4

Ambry Genetics
Classification: Likely benign for Inborn genetic diseases. Last evaluated: 2025-08-11. Review status: criteria provided, single submitter. Criteria: Ambry Variant Classification Scheme 2023. Collection method: clinical testing. Allele origin: germline.

Labcorp Genetics (formerly Invitae), Labcorp
Classification: Benign. Last evaluated: 2025-05-08. Review status: criteria provided, single submitter. Criteria: Invitae Variant Classification Sherloc (09022015). Collection method: clinical testing. Allele origin: germline.

NM_018263.6(ASXL2):c.1661C>T (p.Pro554Leu)

Gene: ASXL2 (ASXL transcriptional regulator 2; minus strand). Cytogenetic location: 2p23.3.
Variant type: single nucleotide variant.
Coding change: c.1661C>T on transcript NM_018263.6 (MANE Select); coding-DNA position 1661, C replaced by T.
Protein change: p.Pro554Leu; replaces proline 554 with leucine.
Molecular consequence: missense variant.
Genome position (GRCh38, 1-based): chr2:25,749,895, G>A on the plus strand (C>T on the coding strand, the complement: ASXL2 is on the minus strand). VCF-style: chr2-25749895-G-A. GRCh37 (hg19) VCF-style: chr2-25972764-G-A.
Other names: c.1487C>T, p.Pro496Leu (NM_001369346.1); c.881C>T, p.Pro294Leu (NM_001369347.1); c.1661C>T (NM_018263.4); short protein forms P294L, P496L, P554L.
Identifiers: ClinVar variation 1401295 (VCV001401295.9), dbSNP rs532861409, ClinGen allele CA1557780.